The following is an entry in ClinVar:

ClinVar aggregate classification (germline): Uncertain significance (1 of 4 stars; one submission).

Submission:

Labcorp Genetics (formerly Invitae), Labcorp
Classification: Uncertain significance. Last evaluated: 2021-04-24. Review status: criteria provided, single submitter. Criteria: Invitae Variant Classification Sherloc (09022015). Collection method: clinical testing. Allele origin: germline.
Comment: This sequence change replaces alanine with valine at codon 82 of the EIF2AK3 protein (p.Ala82Val). The alanine residue is weakly conserved and there is a small physicochemical difference between alanine and valine. This variant is not present in population databases (ExAC no frequency). This variant has not been reported in the literature in individuals with EIF2AK3-related conditions. Algorithms developed to predict the effect of missense changes on protein structure and function (SIFT, PolyPhen-2, Align-GVGD) all suggest that this variant is likely to be tolerated, but these predictions have not been confirmed by published functional studies and their clinical significance is uncertain. In summary, the available evidence is currently insufficient to determine the role of this variant in disease. Therefore, it has been classified as a Variant of Uncertain Significance.

NM_004836.7(EIF2AK3):c.245C>T (p.Ala82Val)

Gene: EIF2AK3 (eukaryotic translation initiation factor 2 alpha kinase 3; minus strand). Cytogenetic location: 2p11.2.
Variant type: single nucleotide variant.
Coding change: c.245C>T on transcript NM_004836.7 (MANE Select); coding-DNA position 245, C replaced by T.
Protein change: p.Ala82Val; replaces alanine 82 with valine.
Molecular consequence: missense variant.
Genome position (GRCh38, 1-based): chr2:88,627,030, G>A on the plus strand (C>T on the coding strand, the complement: EIF2AK3 is on the minus strand). VCF-style: chr2-88627030-G-A. GRCh37 (hg19) VCF-style: chr2-88926548-G-A.
Other names: short protein forms A82V.
Identifiers: ClinVar variation 1363181 (VCV001363181.8), dbSNP rs1478508112, ClinGen allele CA347763198.